The following is an entry in ClinVar:

NM_003185.4(TAF4):c.1631C>T (p.Pro544Leu)

Gene: TAF4 (TATA-box binding protein associated factor 4; minus strand). Cytogenetic location: 20q13.33.
Variant type: single nucleotide variant.
Coding change: c.1631C>T on transcript NM_003185.4 (MANE Select); coding-DNA position 1631, C replaced by T.
Protein change: p.Pro544Leu; replaces proline 544 with leucine.
Molecular consequence: missense variant.
Genome position (GRCh38, 1-based): chr20:62,012,825, G>A on the plus strand (C>T on the coding strand, the complement: TAF4 is on the minus strand). VCF-style: chr20-62012825-G-A. GRCh37 (hg19) VCF-style: chr20-60587881-G-A.
Other names: short protein forms P544L.
Identifiers: ClinVar variation 3376452 (VCV003376452.1).

ClinVar aggregate classification (germline): Uncertain significance (1 of 4 stars; one submission).

Conditions:
Intellectual developmental disorder, autosomal dominant 73 (MRD73). Also called: TAF4-RELATED NDD; TAF4-RELATED NEURODEVELOPMENTAL DISORDER. Identifiers: MedGen C5830636, MONDO:0957536, OMIM 620450.

Submission:

Pittsburgh Clinical Genomics Laboratory, University of Pittsburgh Medical Center
Classification: Uncertain significance for Intellectual developmental disorder, autosomal dominant 73. Last evaluated: 2024-05-23. Review status: criteria provided, single submitter. Criteria: ACMG Guidelines, 2015. Collection method: clinical testing. Allele origin: germline. Inheritance: Autosomal dominant inheritance. Affected: yes.
Comment: This sequence variant is a single nucleotide substitution (C>T) at position 1631 of the coding sequence of the TAF4 gene that results in a proline to leucine amino acid change at residue 544 of the TATA-box binding protein associated factor 4. This variant is absent from ClinVar and has not been observed in individuals affected by a TAF4-related disorder in the published literature, to our knowledge. This variant is absent from the gnomAD v4.1.0 population database (0/~1460000 alleles). Multiple bioinformatic tools predict that this proline to leucine amino acid change would be damaging, and the Pro544 residue at this position is highly conserved across the vertebrate species examined. Studies examining the functional consequence of this variant have not been performed, to our knowledge. At this time, there is insufficient evidence to determine if this variant is pathogenic or benign. Therefore, we consider this a variant of uncertain significance. ACMG Criteria: PM2, PP3